The following is an entry in ClinVar:

NM_000092.5(COL4A4):c.4304_4305del (p.Thr1435fs)

Gene: COL4A4 (collagen type IV alpha 4 chain; minus strand). Cytogenetic location: 2q36.3.
Variant type: Microsatellite.
Coding change: c.4304_4305del on transcript NM_000092.5 (MANE Select); coding-DNA positions 4304 to 4305, 2 bases deleted (CA; older notation c.4304_4305delCA).
Protein change: p.Thr1435fs; shifts the reading frame from threonine 1435.
Molecular consequence: frameshift variant.
Genome position (GRCh38, 1-based): chr2:227,012,209-227,012,210, TG deleted on the plus strand (CA on the coding strand, the reverse complement: COL4A4 is on the minus strand); deleting any 2 consecutive bases within chr2:227,012,209-227,012,213 gives the same sequence; the c. name uses the placement nearest the transcript's 3' end. VCF-style (leftmost placement, unchanged base first): chr2-227012208-CTG-C. GRCh37 (hg19) VCF-style: chr2-227876924-CTG-C.
Other names: short protein forms T1435fs.
Identifiers: ClinVar variation 1456288 (VCV001456288.6), dbSNP rs2149763989, ClinGen allele CA2580616717.

ClinVar aggregate classification (germline): Pathogenic (1 of 4 stars; one submission).

Submission:

Labcorp Genetics (formerly Invitae), Labcorp
Classification: Pathogenic. Last evaluated: 2021-11-20. Review status: criteria provided, single submitter. Criteria: Invitae Variant Classification Sherloc (09022015). Collection method: clinical testing. Allele origin: germline.
Comment: This sequence change creates a premature translational stop signal (p.Thr1435Argfs*57) in the COL4A4 gene. It is expected to result in an absent or disrupted protein product. Loss-of-function variants in COL4A4 are known to be pathogenic (PMID: 21196518, 24854265, 25307543). This variant is not present in population databases (gnomAD no frequency). This variant has not been reported in the literature in individuals affected with COL4A4-related conditions. For these reasons, this variant has been classified as Pathogenic.

Literature cited by the submitters: PubMed 21196518; PubMed 24854265; PubMed 25307543.